The following is an entry in ClinVar:

ClinVar aggregate classification (germline): Likely benign. Review status: criteria provided, multiple submitters, no conflicts (2 of 4 stars). 4 submissions from 4 submitters: Likely benign (3). 1 of the submissions does not count toward it. Last evaluated 2025-07-09.

Conditions:
WDR81-related disorder. Also called: WDR81-related condition.

Allele frequency attached by ClinVar (database versions not stated): gnomAD exomes 0.00007 and 0.00016; ExAC 0.00014; 1000 Genomes Project 30x 0.00016; TOPMed 0.00019; gnomAD 0.00014; 1000 Genomes Project 0.00020.
gnomAD v4.1: 128 of 1,602,682 alleles (0.008%); highest among the groups gnomAD compares: African/African-American, 0.044%; 1 homozygote.

Submissions (4):

Mayo Clinic Laboratories, Mayo Clinic
Classification: Likely benign. Last evaluated: 2025-07-09. Review status: criteria provided, single submitter. Criteria: ACMG Guidelines, 2015. Collection method: clinical testing. Allele origin: germline. Observed: 1 variant allele.
Comment: BS1, BP4, BP7

Labcorp Genetics (formerly Invitae), Labcorp
Classification: Likely benign. Last evaluated: 2018-11-16. Review status: criteria provided, single submitter. Criteria: Invitae Variant Classification Sherloc (09022015). Collection method: clinical testing. Allele origin: germline.

Breakthrough Genomics
Classification: Likely benign. Review status: criteria provided, single submitter. Criteria: ACMG Guidelines, 2015. Collection method: not provided. Allele origin: germline. Inheritance: Autosomal recessive inheritance. Affected: yes.

PreventionGenetics, part of Exact Sciences
Classification: Likely benign for WDR81-related condition. Last evaluated: 2024-06-06. Review status: no assertion criteria provided. Collection method: clinical testing. Allele origin: germline. Not counted in ClinVar's aggregate classification.
Comment: This variant is classified as likely benign based on ACMG/AMP sequence variant interpretation guidelines (Richards et al. 2015 PMID: 25741868, with internal and published modifications).

NM_001163809.2(WDR81):c.5403C>T (p.Val1801=)

Gene: WDR81 (WD repeat domain 81; plus strand). Cytogenetic location: 17p13.3.
Variant type: single nucleotide variant.
Coding change: c.5403C>T on transcript NM_001163809.2 (MANE Select); coding-DNA position 5403, C replaced by T.
Protein change: p.Val1801=; no amino-acid change (valine 1801 retained).
Molecular consequence: synonymous variant.
Genome position (GRCh38, 1-based): chr17:1,736,116, C>T. VCF-style: chr17-1736116-C-T. GRCh37 (hg19) VCF-style: chr17-1639410-C-T.
Other names: p.Val1801=; c.1794C>T, p.Val598= (NM_001163673.2); c.1722C>T, p.Val574= (NM_001163811.2); c.2250C>T, p.Val750= (NM_152348.4).
Identifiers: ClinVar variation 746208 (VCV000746208.6), dbSNP rs562661771, ClinGen allele CA8273863.